The following is an entry in ClinVar:

ClinVar aggregate classification (germline): Uncertain significance (1 of 4 stars; one submission).

Conditions:
Fanconi anemia (FA). Also called: Fanconi's anemia. Identifiers: Orphanet 84, MedGen C0015625, MeSH D005199, MONDO:0019391.

Allele frequency attached by ClinVar (database versions not stated): gnomAD exomes below 0.00001; gnomAD 0.00001; TOPMed below 0.00001.
gnomAD v4.1: 3 of 1,613,356 alleles (0.00019%); highest among the groups gnomAD compares: African/African-American, 0.004%; no homozygotes.

Submission:

Labcorp Genetics (formerly Invitae), Labcorp
Classification: Uncertain significance for Fanconi anemia. Last evaluated: 2024-04-30. Review status: criteria provided, single submitter. Criteria: Invitae Variant Classification Sherloc (09022015). Collection method: clinical testing. Allele origin: germline.
Comment: This sequence change replaces valine, which is neutral and non-polar, with isoleucine, which is neutral and non-polar, at codon 1324 of the FANCD2 protein (p.Val1324Ile). This variant is not present in population databases (gnomAD no frequency). This variant has not been reported in the literature in individuals affected with FANCD2-related conditions. Advanced modeling of protein sequence and biophysical properties (such as structural, functional, and spatial information, amino acid conservation, physicochemical variation, residue mobility, and thermodynamic stability) performed at Invitae indicates that this missense variant is not expected to disrupt FANCD2 protein function with a negative predictive value of 80%. In summary, the available evidence is currently insufficient to determine the role of this variant in disease. Therefore, it has been classified as a Variant of Uncertain Significance.

NM_001018115.3(FANCD2):c.3970G>A (p.Val1324Ile)

Genes: FANCD2 (FA complementation group D2; plus strand), FANCD2OS (FANCD2 opposite strand; minus strand). Cytogenetic location: 3p25.3.
Variant type: single nucleotide variant.
Coding change: c.3970G>A on transcript NM_001018115.3 (MANE Select); coding-DNA position 3970, G replaced by A.
Protein change: p.Val1324Ile; replaces valine 1324 with isoleucine.
Molecular consequence: missense variant. On other transcripts: intron variant (1).
Genome position (GRCh38, 1-based): chr3:10,095,206, G>A. VCF-style: chr3-10095206-G-A. GRCh37 (hg19) VCF-style: chr3-10136890-G-A.
Other names: c.3970G>A, p.Val1324Ile (NM_033084.6, NM_001319984.2); c.*43+8992C>T (NM_173472.2); c.3859G>A, p.Val1287Ile (NM_001374253.1); c.3931G>A, p.Val1311Ile (NM_001374254.1); short protein forms V1311I, V1287I, V1324I.
Identifiers: ClinVar variation 2915200 (VCV002915200.3), dbSNP rs1694882444, ClinGen allele CA351757057.